The following is an entry in ClinVar:

NM_153636.3(CPNE7):c.965G>A (p.Arg322Gln)

Gene: CPNE7 (copine 7; plus strand). Cytogenetic location: 16q24.3.
Variant type: single nucleotide variant.
Coding change: c.965G>A on transcript NM_153636.3 (MANE Select); coding-DNA position 965, G replaced by A.
Protein change: p.Arg322Gln; replaces arginine 322 with glutamine.
Molecular consequence: missense variant.
Genome position (GRCh38, 1-based): chr16:89,588,712, G>A. VCF-style: chr16-89588712-G-A. GRCh37 (hg19) VCF-style: chr16-89655120-G-A.
Other names: c.1190G>A, p.Arg397Gln (NM_014427.5); short protein forms R322Q, R397Q.
Identifiers: ClinVar variation 2647116 (VCV002647116.24), dbSNP rs28568523, ClinGen allele CA8245693.

ClinVar aggregate classification (germline): Likely benign (1 of 4 stars; one submission).

Allele frequency attached by ClinVar (database versions not stated): gnomAD exomes 0.00530; 1000 Genomes Project 30x 0.00531; gnomAD 0.00556; 1000 Genomes Project 0.00559; TOPMed 0.00584; ESP Exome Variant Server 0.00723; ExAC 0.00741.
gnomAD v4.1: 8,545 of 1,613,460 alleles (0.53%); highest among the groups gnomAD compares: African/African-American, 0.76%; 38 homozygotes.

Submission:

CeGaT Center for Human Genetics Tuebingen
Classification: Likely benign. Last evaluated: 2022-11-01. Review status: criteria provided, single submitter. Criteria: CeGaT Center For Human Genetics Tuebingen Variant Classification Criteria Version 2. Collection method: clinical testing. Allele origin: germline. Affected: yes. Observed: 1 variant allele.
Comment: CPNE7: BS2